The following is an entry in ClinVar:

ClinVar aggregate classification (germline): Uncertain significance. Review status: criteria provided, multiple submitters, no conflicts (2 of 4 stars). 2 submissions from 2 submitters: Uncertain significance (2). Last evaluated 2023-11-08.

Conditions:
Familial cold autoinflammatory syndrome 2 (FCAS2). Identifiers: Orphanet 247868, MedGen C2673198, MONDO:0012724, OMIM 611762.

Submissions (2):

Clinical Genomics Laboratory, Washington University in St. Louis
Classification: Uncertain significance for Familial cold autoinflammatory syndrome 2. Last evaluated: 2023-11-08. Review status: criteria provided, single submitter. Criteria: ACMG Guidelines, 2015. Collection method: clinical testing. Allele origin: germline.
Comment: The NLRP12 c.3098+4A>G variant, to our knowledge, has not been reported in the medical literature in an individual with FCAS and the variant is absent from the general population (gnomAD v.2.1.1), indicating it is not a common variant. Computational predictors indicate that this variant would alter splicing, evidence that correlates to an impact of this variant on NLRP12 function. Loss of function NLRP12 variation is associated with FCAS (Xia X et al., PMID: 27314497), but several NLRP12 variants in canonical splice sites are classified as variants of uncertain significance in ClinVar (e.g. ClinVar Variation IDs: 1401846, 536929, 1353467). Due to limited information, and based on ACMG/AMP guidelines for variant interpretation (Richards S et al., PMID: 25741868), the clinical significance of this variant is uncertain at this time.

Labcorp Genetics (formerly Invitae), Labcorp
Classification: Uncertain significance for Familial cold autoinflammatory syndrome 2. Last evaluated: 2022-12-24. Review status: criteria provided, single submitter. Criteria: Invitae Variant Classification Sherloc (09022015). Collection method: clinical testing. Allele origin: germline.
Comment: This sequence change falls in intron 9 of the NLRP12 gene. It does not directly change the encoded amino acid sequence of the NLRP12 protein. It affects a nucleotide within the consensus splice site. This variant is not present in population databases (gnomAD no frequency). This variant has not been reported in the literature in individuals affected with NLRP12-related conditions. Variants that disrupt the consensus splice site are a relatively common cause of aberrant splicing (PMID: 17576681, 9536098). Algorithms developed to predict the effect of sequence changes on RNA splicing suggest that this variant may disrupt the consensus splice site. In summary, the available evidence is currently insufficient to determine the role of this variant in disease. Therefore, it has been classified as a Variant of Uncertain Significance.

Literature cited by the submitters: PubMed 17576681 (cited by Labcorp Genetics (formerly Invitae), Labcorp); PubMed 9536098 (cited by Labcorp Genetics (formerly Invitae), Labcorp).

NM_144687.4(NLRP12):c.3098+4A>G

Gene: NLRP12 (NLR family pyrin domain containing 12; minus strand). Cytogenetic location: 19q13.42.
Variant type: single nucleotide variant.
Coding change: c.3098+4A>G on transcript NM_144687.4 (MANE Select); 4 bases into the intron after coding-DNA position 3098, A replaced by G.
Molecular consequence: intron variant.
Genome position (GRCh38, 1-based): chr19:53,795,855, T>C on the plus strand (A>G on the coding strand, the complement: NLRP12 is on the minus strand). VCF-style: chr19-53795855-T-C. GRCh37 (hg19) VCF-style: chr19-54299109-T-C.
Other names: c.2927+4A>G (NM_001277129.1); c.3101+4A>G (NM_001277126.2).
Identifiers: ClinVar variation 2792464 (VCV002792464.4), dbSNP rs2091746799, ClinGen allele CA2342528446.